The following is an entry in ClinVar:

ClinVar aggregate classification (germline): Uncertain significance (1 of 4 stars; one submission).

Conditions:
Congenital heart defects, dysmorphic facial features, and intellectual developmental disorder (CHDFIDD). Identifiers: Orphanet 646278, MedGen C4479246, MONDO:0044302, OMIM 617360.

Submission:

Victorian Clinical Genetics Services, Murdoch Childrens Research Institute
Classification: Uncertain significance for Congenital heart defects, dysmorphic facial features, and intellectual developmental disorder. Last evaluated: 2025-08-07. Review status: criteria provided, single submitter. Criteria: ACMG Guidelines, 2015. Collection method: clinical testing. Allele origin: germline. Affected: yes.
Comment: This variant is classified as VUS-3B. Evidence in support of pathogenic classification: Variant is absent from gnomAD (v2, v3, and v4). Additional information: Variant is predicted to result in a missense amino acid change from lysine to arginine; This variant is heterozygous; This gene is associated with autosomal dominant disease; This variant has no previous evidence of pathogenicity; No published segregation evidence has been identified for this variant; No published functional evidence has been identified for this variant; No comparable missense variants have previous evidence for pathogenicity; Variant is not located in an established domain, motif, hotspot or informative constraint region; Missense variant with conflicting in silico predictions and uninformative conservation; Loss of function is a known mechanism of disease in this gene and is associated with congenital heart defects, dysmorphic facial features, and intellectual developmental disorder (MIM#617360). Dominant negative has also been suggested as a mechanism of disease, although not proven with functional studies (PMIDs: 29393965, 30904094, 32762766); Parental origin of the variant is unresolved.

Literature cited by the submitters: PubMed 32762766; PubMed 30904094; PubMed 29393965.

NM_003718.5(CDK13):c.1490A>G (p.Lys497Arg)

Gene: CDK13 (cyclin dependent kinase 13; plus strand). Cytogenetic location: 7p14.1.
Variant type: single nucleotide variant.
Coding change: c.1490A>G on transcript NM_003718.5 (MANE Select); coding-DNA position 1490, A replaced by G.
Protein change: p.Lys497Arg; replaces lysine 497 with arginine.
Molecular consequence: missense variant.
Genome position (GRCh38, 1-based): chr7:39,987,877, A>G. VCF-style: chr7-39987877-A-G. GRCh37 (hg19) VCF-style: chr7-40027476-A-G.
Other names: c.1490A>G, p.Lys497Arg (NM_031267.4); short protein forms K497R.
Identifiers: ClinVar variation 3254690 (VCV003254690.3), dbSNP rs2483753334.
Genomic context (GRCh38, chr7:39,987,877, plus strand): 5'-CTAAGGCTGCTGAGGCTGCTGCCAAGGCTGCAAAAGCTTCAAACACTTCTACACCTACCA[A>G]GGGGAACACGGAAACTAGTGCCAGTGCATCACAAACAAACCATGTGAAGGATGTGAAGAA-3'
Protein context (NP_003709.3, residues 487-507): AKASNTSTPT[Lys497Arg]GNTETSASAS